The following is an entry in ClinVar:

ClinVar aggregate classification (germline): Pathogenic (1 of 4 stars; one submission).

Submission:

Labcorp Genetics (formerly Invitae), Labcorp
Classification: Pathogenic. Last evaluated: 2025-08-23. Review status: criteria provided, single submitter. Criteria: Invitae Variant Classification Sherloc (09022015). Collection method: clinical testing. Allele origin: germline.
Comment: This sequence change creates a premature translational stop signal (p.Cys411Alafs*42) in the CRB2 gene. It is expected to result in an absent or disrupted protein product. Loss-of-function variants in CRB2 are known to be pathogenic (PMID: 27942854, 30212996). This variant is not present in population databases (gnomAD no frequency). This variant has not been reported in the literature in individuals affected with CRB2-related conditions. For these reasons, this variant has been classified as Pathogenic.

Literature cited by the submitters: PubMed 27942854; PubMed 30212996.

NM_173689.7(CRB2):c.1205_1230dup (p.Cys411fs)

Gene: CRB2 (crumbs cell polarity complex component 2; plus strand). Cytogenetic location: 9q33.3.
Variant type: Duplication.
Coding change: c.1205_1230dup on transcript NM_173689.7 (MANE Select); coding-DNA positions 1205 to 1230, 26 bases duplicated (GCCACACCTGCCCGCTGGCTGCCACC).
Protein change: p.Cys411fs; shifts the reading frame from cysteine 411.
Molecular consequence: frameshift variant. On other transcripts: non-coding transcript variant (1).
Genome position (GRCh38, 1-based): chr9:123,370,258-123,370,283, GCCACACCTGCCCGCTGGCTGCCACC duplicated. VCF-style (leftmost placement, unchanged base first): chr9-123370257-G-GGCCACACCTGCCCGCTGGCTGCCACC. GRCh37 (hg19) VCF-style: chr9-126132536-G-GGCCACACCTGCCCGCTGGCTGCCACC.
Other names: short protein forms C411fs.
Identifiers: ClinVar variation 4777584 (VCV004777584.1).